The following is an entry in ClinVar:

NM_020937.4(FANCM):c.2069G>C (p.Arg690Thr)

Gene: FANCM (FA complementation group M; plus strand). Cytogenetic location: 14q21.2.
Variant type: single nucleotide variant.
Coding change: c.2069G>C on transcript NM_020937.4 (MANE Select); coding-DNA position 2069, G replaced by C.
Protein change: p.Arg690Thr; replaces arginine 690 with threonine.
Molecular consequence: missense variant.
Genome position (GRCh38, 1-based): chr14:45,170,655, G>C. VCF-style: chr14-45170655-G-C. GRCh37 (hg19) VCF-style: chr14-45639858-G-C.
Other names: c.1991G>C, p.Arg664Thr (NM_001308133.2); short protein forms R690T, R664T.
Identifiers: ClinVar variation 4841734 (VCV004841734.1).

ClinVar aggregate classification (germline): Uncertain significance (1 of 4 stars; one submission).

Conditions:
Inborn genetic diseases. Identifiers: MedGen C0950123, MeSH D030342.

gnomAD v4.1: 1 of 1,602,616 alleles (0.000062%); highest among the groups gnomAD compares: Non-Finnish European, 0.000085%; no homozygotes.

Submission:

Ambry Genetics
Classification: Uncertain significance for Inborn genetic diseases. Last evaluated: 2025-12-20. Review status: criteria provided, single submitter. Criteria: Ambry Variant Classification Scheme 2023. Collection method: clinical testing. Allele origin: germline.
Comment: The p.R690T variant (also known as c.2069G>C), located in coding exon 12 of the FANCM gene, results from a G to C substitution at nucleotide position 2069. The arginine at codon 690 is replaced by threonine, an amino acid with similar properties. This amino acid position is conserved. In addition, this alteration is predicted to be tolerated by in silico analysis. Based on the available evidence, the clinical significance of this variant remains unclear.